The following is an entry in ClinVar:

ClinVar aggregate classification (germline): Uncertain significance. Review status: criteria provided, multiple submitters, no conflicts (2 of 4 stars). 2 submissions from 2 submitters: Uncertain significance (2). Last evaluated 2025-03-05.

Allele frequency attached by ClinVar (database versions not stated): gnomAD exomes below 0.00001; ExAC 0.00001; gnomAD 0.00001.
gnomAD v4.1: 5 of 1,613,628 alleles (0.00031%); highest among the groups gnomAD compares: Middle Eastern, 0.017%; no homozygotes.

Submissions (2):

Women's Health and Genetics/Laboratory Corporation of America, LabCorp
Classification: Uncertain significance. Last evaluated: 2025-03-05. Review status: criteria provided, single submitter. Criteria: LabCorp Variant Classification Summary - May 2015. Collection method: clinical testing. Allele origin: germline.
Comment: Variant summary: LAMA2 c.3460G>A (p.Gly1154Arg) results in a non-conservative amino acid change in the encoded protein sequence. Four of five in-silico tools predict a damaging effect of the variant on protein function. The variant was absent in 251402 control chromosomes. The available data on variant occurrences in the general population are insufficient to allow any conclusion about variant significance. To our knowledge, no occurrence of c.3460G>A in individuals affected with Merosin deficient congenital muscular dystrophy and no experimental evidence demonstrating its impact on protein function have been reported. ClinVar contains an entry for this variant (Variation ID: 2433312). Based on the evidence outlined above, the variant was classified as uncertain significance.

Revvity Omics, Revvity
Classification: Uncertain significance. Last evaluated: 2022-04-12. Review status: criteria provided, single submitter. Criteria: ACMG Guidelines, 2015. Collection method: clinical testing. Allele origin: germline.

NM_000426.4(LAMA2):c.3460G>A (p.Gly1154Arg)

Gene: LAMA2 (laminin subunit alpha 2; plus strand). Cytogenetic location: 6q22.33.
Variant type: single nucleotide variant.
Coding change: c.3460G>A on transcript NM_000426.4 (MANE Select); coding-DNA position 3460, G replaced by A.
Protein change: p.Gly1154Arg; replaces glycine 1154 with arginine.
Molecular consequence: missense variant.
Genome position (GRCh38, 1-based): chr6:129,314,703, G>A. VCF-style: chr6-129314703-G-A. GRCh37 (hg19) VCF-style: chr6-129635848-G-A.
Other names: c.3460G>A, p.Gly1154Arg (NM_001079823.2); short protein forms G1154R.
Identifiers: ClinVar variation 2433312 (VCV002433312.4), dbSNP rs756475916, ClinGen allele CA3993266.